The following is an entry in ClinVar:

NM_003238.6(TGFB2):c.1140C>A (p.Cys380Ter)

Gene: TGFB2 (transforming growth factor beta 2; plus strand). Cytogenetic location: 1q41.
Variant type: single nucleotide variant.
Coding change: c.1140C>A on transcript NM_003238.6 (MANE Select); coding-DNA position 1140, C replaced by A.
Protein change: p.Cys380Ter; replaces cysteine 380 with a stop codon.
Molecular consequence: nonsense. On other transcripts: non-coding transcript variant (2).
Genome position (GRCh38, 1-based): chr1:218,441,257, C>A. VCF-style: chr1-218441257-C-A. GRCh37 (hg19) VCF-style: chr1-218614599-C-A.
Other names: c.1224C>A, p.Cys408Ter (NM_001135599.4); short protein forms C408*, C380*.
Identifiers: ClinVar variation 2832186 (VCV002832186.3), dbSNP rs201129153, ClinGen allele CA344727870.

ClinVar aggregate classification (germline): Uncertain significance (1 of 4 stars; one submission).

Conditions:
Loeys-Dietz syndrome 4 (LDS4). Also called: ANEURYSM, AORTIC AND CEREBRAL, WITH ARTERIAL TORTUOSITY AND SKELETAL MANIFESTATIONS; TGFB2-Related Loeys-Dietz Syndrome. Identifiers: MedGen C3553762, MONDO:0013897, OMIM 614816.

Submission:

Labcorp Genetics (formerly Invitae), Labcorp
Classification: Uncertain significance for Loeys-Dietz syndrome 4. Last evaluated: 2024-03-05. Review status: criteria provided, single submitter. Criteria: Invitae Variant Classification Sherloc (09022015). Collection method: clinical testing. Allele origin: germline.
Comment: This sequence change creates a premature translational stop signal (p.Cys380*) in the TGFB2 gene. While this is not anticipated to result in nonsense mediated decay, it is expected to disrupt the last 35 amino acid(s) of the TGFB2 protein. This variant is not present in population databases (gnomAD no frequency). This variant has not been reported in the literature in individuals affected with TGFB2-related conditions. Experimental studies and prediction algorithms are not available or were not evaluated, and the functional significance of this variant is currently unknown. Algorithms developed to predict the effect of sequence changes on RNA splicing suggest that this variant may disrupt the consensus splice site. In summary, the available evidence is currently insufficient to determine the role of this variant in disease. Therefore, it has been classified as a Variant of Uncertain Significance.